The following is an entry in ClinVar:

ClinVar aggregate classification (germline): Uncertain significance (1 of 4 stars; one submission).

Conditions:
PCSK1-related disorder. Also called: PCSK1-related condition.

gnomAD v4.1: 1 of 1,611,440 alleles (0.000062%); highest among the groups gnomAD compares: Non-Finnish European, 0.000085%; no homozygotes.

Submission:

PreventionGenetics, part of Exact Sciences
Classification: Uncertain significance for PCSK1-related condition. Last evaluated: 2026-04-14. Review status: criteria provided, single submitter. Criteria: ACMG Guidelines, 2015. Collection method: clinical testing. Allele origin: germline.
Comment: The PCSK1 c.1660A>G variant is predicted to result in the amino acid substitution p.Met554Val. To our knowledge, this variant has not been reported in the literature or in a large population database (gnomAD), indicating this variant is rare. At this time, the clinical significance of this variant is uncertain due to the absence of conclusive functional and genetic evidence.

NM_000439.5(PCSK1):c.1660A>G (p.Met554Val)

Genes: CAST (calpastatin; plus strand), PCSK1 (proprotein convertase subtilisin/kexin type 1; minus strand), LOC101929710 (uncharacterized LOC101929710; plus strand). Cytogenetic location: 5q15.
Variant type: single nucleotide variant.
Coding change: c.1660A>G on transcript NM_000439.5 (MANE Select); coding-DNA position 1660, A replaced by G.
Protein change: p.Met554Val; replaces methionine 554 with valine.
Molecular consequence: missense variant. On other transcripts: intron variant (11).
Genome position (GRCh38, 1-based): chr5:96,397,398, T>C on the plus strand (A>G on the coding strand, the complement: PCSK1 is on the minus strand). VCF-style: chr5-96397398-T-C. GRCh37 (hg19) VCF-style: chr5-95733102-T-C.
Other names: c.-175+17746T>C (NM_001423251.1, NM_001423256.1, NM_001423252.1 and 6 more transcripts); c.-40+17746T>C (NM_001423258.1); c.1519A>G, p.Met507Val (NM_001177875.2); c.-103+17746T>C (NM_001423253.1); short protein forms M554V, M507V.
Identifiers: ClinVar variation 4992661 (VCV004992661.1).
Genomic context (GRCh38, chr5:96,397,398, plus strand): 5'-TGTCTGTAATTCTCAAAGTCCAAGTACCTATAGGGTTCTCTCCCCATGTGTGAACAGACA[T>C]GAAGTCCCAATTCTTAAAGCCATTAGGAGATGTATCCCGTTCTCTTTCAGCCAAGAGCAC-3'
Protein context (NP_000430.3, residues 544-564): SPNGFKNWDF[Met554Val]SVHTWGENPI